The following is an entry in ClinVar:

ClinVar aggregate classification (germline): Benign. Review status: criteria provided, multiple submitters, no conflicts (2 of 4 stars). 2 submissions from 2 submitters: Benign (2). Last evaluated 2018-01-13.

Conditions:
Kindler syndrome (KNDLRS). Also called: Poikiloderma of Kindler; Congenital bullous poikiloderma; POIKILODERMA, CONGENITAL, WITH BULLAE, WEARY TYPE; POIKILODERMA, HEREDITARY ACROKERATOTIC; BULLOUS ACROKERATOTIC POIKILODERMA OF KINDLER AND WEARY; Kindler's syndrome. Identifiers: Orphanet 2908, Orphanet 306539, MedGen C0406557, MONDO:0008260, OMIM 173650.

Allele frequency attached by ClinVar (database versions not stated): TOPMed 0.04107; 1000 Genomes Project 30x 0.04606; 1000 Genomes Project 0.04173.

Submissions (2):

Illumina Laboratory Services, Illumina
Classification: Benign for Kindler syndrome. Last evaluated: 2018-01-13. Review status: criteria provided, single submitter. Criteria: ICSL Variant Classification Criteria 13 December 2019. Collection method: clinical testing. Allele origin: germline.
Comment: This variant was observed in the ICSL laboratory as part of a predisposition screen in an ostensibly healthy population. It had not been previously curated by ICSL or reported in the Human Gene Mutation Database (HGMD: prior to June 1st, 2018), and was therefore a candidate for classification through an automated scoring system. Utilizing variant allele frequency, disease prevalence and penetrance estimates, and inheritance mode, an automated score was calculated to assess if this variant is too frequent to cause the disease. Based on the score and internal cut-off values, a variant classified as benign is not then subjected to further curation. The score for this variant resulted in a classification of benign for this disease.

Breakthrough Genomics
Classification: Benign. Review status: criteria provided, single submitter. Criteria: ACMG Guidelines, 2015. Collection method: not provided. Allele origin: germline. Inheritance: Autosomal recessive inheritance. Affected: yes.

NM_017671.4(FERMT1):c.-514T>C

Gene: FERMT1 (FERM domain containing kindlin 1; minus strand). Cytogenetic location: 20p12.3.
Variant type: single nucleotide variant.
Coding change: c.-514T>C on transcript NM_017671.4; 514 bases upstream of the start codon, T replaced by C.
Genome position (GRCh38, 1-based): chr20:6,123,269, A>G on the plus strand (T>C on the coding strand, the complement: FERMT1 is on the minus strand). VCF-style: chr20-6123269-A-G. GRCh37 (hg19) VCF-style: chr20-6103916-A-G.
Identifiers: ClinVar variation 339252 (VCV000339252.8), dbSNP rs73604924, ClinGen allele CA10653351.